The following is an entry in ClinVar:

NM_001370259.2(MEN1):c.1689G>A (p.Glu563=)

Gene: MEN1 (menin 1; minus strand). Cytogenetic location: 11q13.1.
Variant type: single nucleotide variant.
Coding change: c.1689G>A on transcript NM_001370259.2 (MANE Select); coding-DNA position 1689, G replaced by A.
Protein change: p.Glu563=; no amino-acid change (glutamic acid 563 retained).
Molecular consequence: synonymous variant.
Genome position (GRCh38, 1-based): chr11:64,804,478, C>T on the plus strand (G>A on the coding strand, the complement: MEN1 is on the minus strand). VCF-style: chr11-64804478-C-T. GRCh37 (hg19) VCF-style: chr11-64571950-C-T.
Other names: c.1704G>A, p.Glu568= (NM_000244.4, NM_130800.3, NM_130801.3 and 3 more transcripts); c.1815G>A, p.Glu605= (NM_001370251.2); c.1689G>A, p.Glu563= (NM_001370260.2, NM_001370261.2, NM_130799.3); c.1584G>A, p.Glu528= (NM_001370262.2, NM_001370263.2).
Identifiers: ClinVar variation 1141204 (VCV001141204.13), dbSNP rs1178628764, ClinGen allele CA475163340.

ClinVar aggregate classification (germline): Conflicting classifications of pathogenicity. Review status: criteria provided, conflicting classifications (1 of 4 stars). 4 submissions from 4 submitters: Uncertain significance (1); Benign (1); Likely benign (2). Last evaluated 2025-08-24.

Conditions:
Hereditary cancer-predisposing syndrome. Also called: Hereditary neoplastic syndrome; Tumor predisposition; Neoplastic Syndromes, Hereditary; Hereditary Cancer Syndrome. Identifiers: Orphanet 140162, MedGen C0027672, MeSH D009386, MONDO:0015356.
Multiple endocrine neoplasia, type 1 (MEN1). Also called: MEN I; WERMER SYNDROME; Endocrine adenomatosis multiple; MEN 1; MEA I. Identifiers: Orphanet 652, MedGen C0025267, MeSH D018761, MONDO:0007540, OMIM 131100.

Allele frequency attached by ClinVar (database versions not stated): gnomAD exomes below 0.00001; TOPMed 0.00002.
gnomAD v4.1: 2 of 1,614,020 alleles (0.00012%); highest among the groups gnomAD compares: Admixed American, 0.0017%; no homozygotes.

Submissions (4):

Labcorp Genetics (formerly Invitae), Labcorp
Classification: Likely benign for Multiple endocrine neoplasia, type 1. Last evaluated: 2025-08-24. Review status: criteria provided, single submitter. Criteria: Invitae Variant Classification Sherloc (09022015). Collection method: clinical testing. Allele origin: germline.

Myriad Genetics, Inc.
Classification: Benign for Multiple endocrine neoplasia, type 1. Last evaluated: 2024-11-05. Review status: criteria provided, single submitter. Criteria: Myriad Autosomal Dominant, Autosomal Recessive and X-Linked Classification Criteria (2023). Collection method: clinical testing. Allele origin: unknown.
Comment: This variant is considered benign. This variant is a silent/synonymous amino acid change and it is not expected to impact splicing.

Quest Diagnostics Nichols Institute San Juan Capistrano
Classification: Uncertain significance. Last evaluated: 2024-10-09. Review status: criteria provided, single submitter. Criteria: Quest Diagnostics criteria. Collection method: clinical testing. Allele origin: unknown.
Comment: The MEN1 c.1689G>A (p.Glu563=) synonymous variant has not been reported in individuals with MEN1-related conditions in the published literature. The frequency of this variant in the general population, 0.000004 (1/251436 chromosomes (Genome Aggregation Database)), is uninformative in the assessment of its pathogenicity. Analysis of this variant using software algorithms for the prediction of the effect of nucleotide changes on splicing yielded predictions that this variant does not affect MEN1 mRNA splicing. Based on the available information, we are unable to determine the clinical significance of this variant.

Ambry Genetics
Classification: Likely benign for Hereditary cancer-predisposing syndrome. Last evaluated: 2020-01-16. Review status: criteria provided, single submitter. Criteria: Ambry Variant Classification Scheme 2023. Collection method: clinical testing. Allele origin: germline.